The following is an entry in ClinVar:

ClinVar aggregate classification (germline): Uncertain significance (1 of 4 stars; one submission).

Submission:

GeneDx
Classification: Uncertain significance. Last evaluated: 2025-05-28. Review status: criteria provided, single submitter. Criteria: GeneDx Variant Classification Process June 2021. Collection method: clinical testing. Allele origin: germline. Affected: yes.
Comment: Not observed at significant frequency in large population cohorts (gnomAD); In silico analysis suggests that this missense variant does not alter protein structure/function; Has not been previously published as pathogenic or benign to our knowledge

NM_006885.4(ZFHX3):c.2667C>A (p.Ser889Arg)

Gene: ZFHX3 (zinc finger homeobox 3; minus strand). Cytogenetic location: 16q22.3.
Variant type: single nucleotide variant.
Coding change: c.2667C>A on transcript NM_006885.4 (MANE Select); coding-DNA position 2667, C replaced by A.
Protein change: p.Ser889Arg; replaces serine 889 with arginine.
Molecular consequence: missense variant. On other transcripts: intron variant (1).
Genome position (GRCh38, 1-based): chr16:72,957,479, G>T on the plus strand (C>A on the coding strand, the complement: ZFHX3 is on the minus strand). VCF-style: chr16-72957479-G-T. GRCh37 (hg19) VCF-style: chr16-72991378-G-T.
Other names: c.2667C>A, p.Ser889Arg (NM_001386735.1); c.-23-6514C>A (NM_001164766.2); short protein forms S889R.
Identifiers: ClinVar variation 4532722 (VCV004532722.1).